The following is an entry in ClinVar:

ClinVar aggregate classification (germline): Pathogenic (1 of 4 stars; one submission).

Conditions:
Familial adenomatous polyposis 1 (FAP1). Also called: FAMILIAL ADENOMATOUS POLYPOSIS 1, ATTENUATED; POLYPOSIS, ADENOMATOUS INTESTINAL. Identifiers: MedGen C2713442, MONDO:0021056, OMIM 175100. Disease mechanism: loss of function.

Submission:

Myriad Genetics, Inc.
Classification: Pathogenic for Familial adenomatous polyposis 1. Last evaluated: 2023-05-11. Review status: criteria provided, single submitter. Criteria: Myriad Autosomal Dominant, Autosomal Recessive and X-Linked Classification Criteria (2023). Collection method: clinical testing. Allele origin: unknown.
Comment: This variant is considered pathogenic. This variant creates a frameshift predicted to result in premature protein truncation.

NM_000038.6(APC):c.4778_4779delinsT (p.Lys1593fs)

Gene: APC (APC regulator of Wnt signaling pathway; plus strand). Cytogenetic location: 5q22.2.
Variant type: Indel.
Coding change: c.4778_4779delinsT on transcript NM_000038.6 (MANE Select); coding-DNA positions 4778 to 4779, AG replaced by T.
Protein change: p.Lys1593fs; shifts the reading frame from lysine 1593.
Molecular consequence: frameshift variant. On other transcripts: non-coding transcript variant (2).
Genome position (GRCh38, 1-based): chr5:112,840,372-112,840,373, AG replaced by T. VCF-style: chr5-112840372-AG-T. GRCh37 (hg19) VCF-style: chr5-112176069-AG-T.
Other names: c.4832_4833delinsT, p.Lys1611fs (NM_001407449.1, NM_001354896.2, NM_001407447.1 and 1 more transcripts); c.4778_4779delinsT, p.Lys1593fs (NM_001407450.1, NM_001127510.3, NM_001354895.2); c.4757_4758delinsT, p.Lys1586fs (NM_001407451.1); c.4748_4749delinsT, p.Lys1583fs (NM_001407452.1); c.4601_4602delinsT, p.Lys1534fs (NM_001407453.1, NM_001354901.2); c.4529_4530delinsT, p.Lys1510fs (NM_001407454.1, NM_001407455.1, NM_001407456.1 and 1 more transcripts); c.4475_4476delinsT, p.Lys1492fs (NM_001407458.1, NM_001407459.1, NM_001407460.1 and 1 more transcripts); c.4391_4392delinsT, p.Lys1464fs (NM_001407467.1, NM_001407469.1); and 11 more; short protein forms K1209fs, K1310fs, K1433fs, K1464fs, K1467fs, K1492fs, K1502fs, K1510fs.
Identifiers: ClinVar variation 2584017 (VCV002584017.2), dbSNP rs2533599268, ClinGen allele CA2582341371.